The following is an entry in ClinVar:

ClinVar aggregate classification (germline): Uncertain significance (1 of 4 stars; one submission).

Allele frequency attached by ClinVar (database versions not stated): gnomAD exomes 0.00002.
gnomAD v4.1: 24 of 1,613,194 alleles (0.0015%); highest among the groups gnomAD compares: Non-Finnish European, 0.002%; no homozygotes.

Submission:

Labcorp Genetics (formerly Invitae), Labcorp
Classification: Uncertain significance. Last evaluated: 2023-12-28. Review status: criteria provided, single submitter. Criteria: Invitae Variant Classification Sherloc (09022015). Collection method: clinical testing. Allele origin: germline.
Comment: This sequence change replaces valine, which is neutral and non-polar, with methionine, which is neutral and non-polar, at codon 385 of the RNF31 protein (p.Val385Met). This variant is present in population databases (no rsID available, gnomAD 0.0009%). This variant has not been reported in the literature in individuals affected with RNF31-related conditions. An algorithm developed to predict the effect of missense changes on protein structure and function (PolyPhen-2) suggests that this variant is likely to be tolerated. In summary, the available evidence is currently insufficient to determine the role of this variant in disease. Therefore, it has been classified as a Variant of Uncertain Significance.

NM_017999.5(RNF31):c.1153G>A (p.Val385Met)

Gene: RNF31 (ring finger protein 31; plus strand). Cytogenetic location: 14q12.
Variant type: single nucleotide variant.
Coding change: c.1153G>A on transcript NM_017999.5 (MANE Select); coding-DNA position 1153, G replaced by A.
Protein change: p.Val385Met; replaces valine 385 with methionine.
Molecular consequence: missense variant.
Genome position (GRCh38, 1-based): chr14:24,150,404, G>A. VCF-style: chr14-24150404-G-A. GRCh37 (hg19) VCF-style: chr14-24619613-G-A.
Other names: c.700G>A, p.Val234Met (NM_001310332.2); short protein forms V385M, V234M.
Identifiers: ClinVar variation 2971479 (VCV002971479.3), dbSNP rs1368212096, ClinGen allele CA389292262.